The following is an entry in ClinVar:

NM_001042492.3(NF1):c.6413del (p.Gln2138fs)

Gene: NF1 (neurofibromin 1; plus strand). Cytogenetic location: 17q11.2.
Variant type: Deletion.
Coding change: c.6413del on transcript NM_001042492.3 (MANE Select); coding-DNA position 6413, one base deleted (A; older notation c.6413delA).
Protein change: p.Gln2138fs; shifts the reading frame from glutamine 2138.
Molecular consequence: frameshift variant.
Genome position (GRCh38, 1-based): chr17:31,336,900, A deleted. VCF-style (leftmost placement, unchanged base first): chr17-31336899-CA-C. GRCh37 (hg19) VCF-style: chr17-29663917-CA-C.
Other names: c.6350delA, p.Gln2117Argfs (NM_000267.4); short protein forms Q2117fs, Q2138fs.
Identifiers: ClinVar variation 3355686 (VCV003355686.1).

ClinVar aggregate classification (germline): Pathogenic (0 of 4 stars; one submission).

Conditions:
NF1-related disorder. Also called: NF1-related condition. Identifiers: MedGen CN379171.

Submission:

PreventionGenetics, part of Exact Sciences
Classification: Pathogenic for NF1-related condition. Last evaluated: 2024-05-28. Review status: no assertion criteria provided. Collection method: clinical testing. Allele origin: germline.
Comment: The NF1 c.6413delA variant is predicted to result in a frameshift and premature protein termination (p.Gln2138Argfs*12). To our knowledge, this variant has not been reported in the literature or in a large population database, indicating this variant is rare. This variant is not reported in ClinVar. Frameshift variants in NF1 are expected to be pathogenic. This variant is interpreted as pathogenic.